The following is an entry in ClinVar:

ClinVar aggregate classification (germline): Likely pathogenic (1 of 4 stars; one submission).

Conditions:
Polycystic kidney disease 4 (PKD4). Also called: POLYCYSTIC KIDNEY AND HEPATIC DISEASE 1; POLYCYSTIC KIDNEY DISEASE, INFANTILE, TYPE I; POLYCYSTIC KIDNEY DISEASE 4 WITH OR WITHOUT POLYCYSTIC LIVER DISEASE; PKD3; Autosomal Recessive Polycystic Kidney Disease – PKHD1. Identifiers: MedGen C4540575, MONDO:0033004, OMIM 263200.

Submission:

Myriad Genetics, Inc.
Classification: Likely pathogenic for Polycystic kidney disease 4. Last evaluated: 2022-03-24. Review status: criteria provided, single submitter. Criteria: Myriad Women's Health Autosomal Recessive and X-Linked Classification Criteria (2021). Collection method: clinical testing. Allele origin: unknown.
Comment: NM_138694.3(PKHD1):c.2941_2943delGTAinsCT(V981Lfs*16) is expected to be pathogenic in the context of autosomal recessive polycystic kidney disease, PKHD1-related. This variant is predicted to lead to an abnormal or absent protein product due to the creation of a premature termination codon in PKHD1, a gene where loss-of-function variants are known to be pathogenic. Please note: this variant was assessed in the context of healthy population screening.

NM_138694.4(PKHD1):c.2941_2943delinsCT (p.Val981fs)

Gene: PKHD1 (PKHD1 ciliary IPT domain containing fibrocystin/polyductin; minus strand). Cytogenetic location: 6p12.2.
Variant type: Indel.
Coding change: c.2941_2943delinsCT on transcript NM_138694.4 (MANE Select); coding-DNA positions 2941 to 2943, GTA replaced by CT.
Protein change: p.Val981fs; shifts the reading frame from valine 981.
Molecular consequence: frameshift variant.
Genome position (GRCh38, 1-based): chr6:52,043,013-52,043,015, TAC replaced by AG on the plus strand (GTA replaced by CT on the coding strand, the reverse complement: PKHD1 is on the minus strand). VCF-style: chr6-52043013-TAC-AG. GRCh37 (hg19) VCF-style: chr6-51907811-TAC-AG.
Other names: c.2941_2943delinsCT, p.Val981fs (NM_170724.3); short protein forms V981fs.
Identifiers: ClinVar variation 1725461 (VCV001725461.2), dbSNP rs2533047183, ClinGen allele CA2580075469.